The following is an entry in ClinVar:

ClinVar aggregate classification (germline): Uncertain significance (1 of 4 stars; one submission).

Conditions:
Alstrom syndrome (ALMS). Identifiers: Orphanet 64, MedGen C0268425, MONDO:0008763, OMIM 203800.

Submission:

Labcorp Genetics (formerly Invitae), Labcorp
Classification: Uncertain significance for Alstrom syndrome. Last evaluated: 2024-04-13. Review status: criteria provided, single submitter. Criteria: Invitae Variant Classification Sherloc (09022015). Collection method: clinical testing. Allele origin: germline.
Comment: This sequence change replaces serine, which is neutral and polar, with proline, which is neutral and non-polar, at codon 1525 of the ALMS1 protein (p.Ser1525Pro). This variant is not present in population databases (gnomAD no frequency). This variant has not been reported in the literature in individuals affected with ALMS1-related conditions. Experimental studies and prediction algorithms are not available or were not evaluated, and the functional significance of this variant is currently unknown. In summary, the available evidence is currently insufficient to determine the role of this variant in disease. Therefore, it has been classified as a Variant of Uncertain Significance.

NM_001378454.1(ALMS1):c.4570T>C (p.Ser1524Pro)

Gene: ALMS1 (ALMS1 centrosome and basal body associated protein; plus strand). Cytogenetic location: 2p13.1.
Variant type: single nucleotide variant.
Coding change: c.4570T>C on transcript NM_001378454.1 (MANE Select); coding-DNA position 4570, T replaced by C.
Protein change: p.Ser1524Pro; replaces serine 1524 with proline.
Molecular consequence: missense variant.
Genome position (GRCh38, 1-based): chr2:73,451,097, T>C. VCF-style: chr2-73451097-T-C. GRCh37 (hg19) VCF-style: chr2-73678224-T-C.
Other names: c.4573T>C, p.Ser1525Pro (NM_015120.4); short protein forms S1525P, S1524P.
Identifiers: ClinVar variation 3719130 (VCV003719130.2).
Genomic context (GRCh38, chr2:73,451,097, plus strand): 5'-GTTGCTCCTGGACCAGTTGGCCAGACAACTGGCGCACCAACTATAACCTCTCCTTCCTAC[T>C]CACAACATAGAGCAAAGTCTGGCAGTTTCTACCAACTGGCATTGCTAGGTAGTCAAATAC-3'
Protein context (NP_001365383.1, residues 1514-1534): GAPTITSPSY[Ser1524Pro]QHRAKSGSFY